The following is an entry in ClinVar:

ClinVar aggregate classification (germline): Uncertain significance (1 of 4 stars; one submission).

Submission:

Labcorp Genetics (formerly Invitae), Labcorp
Classification: Uncertain significance. Last evaluated: 2025-06-16. Review status: criteria provided, single submitter. Criteria: Invitae Variant Classification Sherloc (09022015). Collection method: clinical testing. Allele origin: germline.
Comment: This sequence change replaces cysteine, which is neutral and slightly polar, with arginine, which is basic and polar, at codon 228 of the CTNNA1 protein (p.Cys228Arg). This variant is not present in population databases (gnomAD no frequency). This variant has not been reported in the literature in individuals affected with CTNNA1-related conditions. ClinVar contains an entry for this variant (Variation ID: 2824216). Invitae Evidence Modeling of protein sequence and biophysical properties (such as structural, functional, and spatial information, amino acid conservation, physicochemical variation, residue mobility, and thermodynamic stability) indicates that this missense variant is not expected to disrupt CTNNA1 protein function with a negative predictive value of 80%. In summary, the available evidence is currently insufficient to determine the role of this variant in disease. Therefore, it has been classified as a Variant of Uncertain Significance.

NM_001903.5(CTNNA1):c.682T>C (p.Cys228Arg)

Gene: CTNNA1 (catenin alpha 1; plus strand). Cytogenetic location: 5q31.2.
Variant type: single nucleotide variant.
Coding change: c.682T>C on transcript NM_001903.5 (MANE Select); coding-DNA position 682, T replaced by C.
Protein change: p.Cys228Arg; replaces cysteine 228 with arginine.
Molecular consequence: missense variant.
Genome position (GRCh38, 1-based): chr5:138,824,623, T>C. VCF-style: chr5-138824623-T-C. GRCh37 (hg19) VCF-style: chr5-138160312-T-C.
Other names: c.682T>C, p.Cys228Arg (NM_001290307.3, NM_001323982.2, NM_001323983.1 and 3 more transcripts); c.373T>C, p.Cys125Arg (NM_001290309.3); c.313T>C, p.Cys105Arg (NM_001290310.3); short protein forms C105R, C125R, C228R.
Identifiers: ClinVar variation 2824216 (VCV002824216.3), dbSNP rs2149775892, ClinGen allele CA361129701.